The following is an entry in ClinVar:

ClinVar aggregate classification (germline): Uncertain significance (1 of 4 stars; one submission).

Submission:

GeneDx
Classification: Uncertain significance. Last evaluated: 2024-02-04. Review status: criteria provided, single submitter. Criteria: GeneDx Variant Classification Process June 2021. Collection method: clinical testing. Allele origin: germline. Affected: yes.
Comment: Not observed at significant frequency in large population cohorts (gnomAD); In silico analysis supports that this missense variant does not alter protein structure/function; Has not been previously published as pathogenic or benign to our knowledge

NM_014159.7(SETD2):c.4942G>A (p.Val1648Ile)

Gene: SETD2 (SET domain containing 2, histone lysine methyltransferase; minus strand). Cytogenetic location: 3p21.31.
Variant type: single nucleotide variant.
Coding change: c.4942G>A on transcript NM_014159.7 (MANE Select); coding-DNA position 4942, G replaced by A.
Protein change: p.Val1648Ile; replaces valine 1648 with isoleucine.
Molecular consequence: missense variant. On other transcripts: non-coding transcript variant (1).
Genome position (GRCh38, 1-based): chr3:47,101,531, C>T on the plus strand (G>A on the coding strand, the complement: SETD2 is on the minus strand). VCF-style: chr3-47101531-C-T. GRCh37 (hg19) VCF-style: chr3-47143021-C-T.
Other names: c.4810G>A, p.Val1604Ile (NM_001349370.3); short protein forms V1604I, V1648I.
Identifiers: ClinVar variation 3368337 (VCV003368337.1).